The following is an entry in ClinVar:

NM_001876.4(CPT1A):c.1662del (p.Phe554fs)

Gene: CPT1A (carnitine palmitoyltransferase 1A; minus strand). Cytogenetic location: 11q13.3.
Variant type: Deletion.
Coding change: c.1662del on transcript NM_001876.4 (MANE Select); coding-DNA position 1662, one base deleted (T; older notation c.1662delT).
Protein change: p.Phe554fs; shifts the reading frame from phenylalanine 554.
Molecular consequence: frameshift variant.
Genome position (GRCh38, 1-based): chr11:68,773,343, A deleted on the plus strand (T on the coding strand, the reverse complement: CPT1A is on the minus strand); the first of 3 consecutive A bases (chr11:68,773,343-68,773,345); deleting any one gives the same sequence. VCF-style (leftmost placement, unchanged base first): chr11-68773342-CA-C. GRCh37 (hg19) VCF-style: chr11-68540810-CA-C.
Other names: c.1662del, p.Phe554fs (NM_001031847.3); short protein forms F554fs.
Identifiers: ClinVar variation 2032155 (VCV002032155.4), dbSNP rs2495552899, ClinGen allele CA2580084767.

ClinVar aggregate classification (germline): Pathogenic (1 of 4 stars; one submission).

Conditions:
Carnitine palmitoyl transferase 1A deficiency. Also called: CPT I DEFICIENCY; CPT DEFICIENCY, HEPATIC, TYPE I; Carnitine palmitoyltransferase 1A deficiency; Carnitine palmitoyltransferase type I deficiency; CPT deficiency, hepatic, type IA. Identifiers: Orphanet 156, MedGen C1829703, MONDO:0009705, OMIM 255120.

Submission:

Labcorp Genetics (formerly Invitae), Labcorp
Classification: Pathogenic for Carnitine palmitoyl transferase 1A deficiency. Last evaluated: 2022-09-23. Review status: criteria provided, single submitter. Criteria: Invitae Variant Classification Sherloc (09022015). Collection method: clinical testing. Allele origin: germline.
Comment: This sequence change creates a premature translational stop signal (p.Phe554Leufs*40) in the CPT1A gene. It is expected to result in an absent or disrupted protein product. Loss-of-function variants in CPT1A are known to be pathogenic (PMID: 16169268). This variant is not present in population databases (gnomAD no frequency). This variant has not been reported in the literature in individuals affected with CPT1A-related conditions. For these reasons, this variant has been classified as Pathogenic.

Literature cited by the submitters: PubMed 16169268.